The following is an entry in ClinVar:

ClinVar aggregate classification (germline): Likely benign. Review status: criteria provided, multiple submitters, no conflicts (2 of 4 stars). 2 submissions from 2 submitters: Likely benign (2). Last evaluated 2025-01-07.

Conditions:
Lynch syndrome 5 (LYNCH5). Also called: Colorectal cancer, hereditary nonpolyposis, type 5; Hereditary non-polyposis colorectal cancer, type 5. Identifiers: Orphanet 144, MedGen C1833477, MONDO:0013710, OMIM 614350. Disease mechanism: loss of function.
Lynch syndrome. Identifiers: Orphanet 144, MedGen C4552100, MONDO:0005835. Disease mechanism: loss of function.

Submissions (2):

Myriad Genetics, Inc.
Classification: Likely benign for Lynch syndrome 5. Last evaluated: 2025-01-07. Review status: criteria provided, single submitter. Criteria: Myriad Autosomal Dominant, Autosomal Recessive and X-Linked Classification Criteria (2023). Collection method: clinical testing. Allele origin: unknown.
Comment: This variant is considered likely benign. This variant is intronic and is not expected to impact mRNA splicing.

All of Us Research Program, National Institutes of Health
Classification: Likely benign for Lynch syndrome. Last evaluated: 2023-10-06. Review status: criteria provided, single submitter. Criteria: ACMG Guidelines, 2015. Collection method: clinical testing. Allele origin: germline. Inheritance: Autosomal dominant inheritance. Observed: 1 variant allele, 1 heterozygote.
Comment: This study involves interpretation of variants in research participants for the purpose of population health screening. Participant phenotype was not available at the time of variant classification. Additional details can be found in publication PMID: 35346344, PMCID: PMC8962531

NM_000179.3(MSH6):c.3647-11T>C

Gene: MSH6 (mutS homolog 6; plus strand). Cytogenetic location: 2p16.3.
Variant type: single nucleotide variant.
Coding change: c.3647-11T>C on transcript NM_000179.3 (MANE Select); 11 bases into the intron before coding-DNA position 3647, T replaced by C.
Molecular consequence: intron variant.
Genome position (GRCh38, 1-based): chr2:47,806,193, T>C. VCF-style: chr2-47806193-T-C. GRCh37 (hg19) VCF-style: chr2-48033332-T-C.
Other names: c.3647-11T>C (NM_001406809.1, NM_001406796.1, NM_001406808.1 and 1 more transcripts); c.2741-11T>C (NM_001406811.1, NM_001406814.1, NM_001281493.2 and 6 more transcripts); c.3350-11T>C (NM_001406805.1, NM_001406797.1, NM_001406801.1 and 10 more transcripts); c.3743-11T>C (NM_001406795.1, NM_001406802.1); c.3653-11T>C (NM_001406813.1); c.3122-11T>C (NM_001406807.1, NM_001406799.1, NM_001406806.1); c.3473-11T>C (NM_001406798.1); c.2783-11T>C (NM_001406803.1); and 7 more.
Identifiers: ClinVar variation 3073686 (VCV003073686.2), dbSNP rs750579775, ClinGen allele CA2576961545.